The following is an entry in ClinVar:

NM_000260.4(MYO7A):c.1935+1G>A

Gene: MYO7A (myosin VIIA; plus strand). Cytogenetic location: 11q13.5.
Variant type: single nucleotide variant.
Coding change: c.1935+1G>A on transcript NM_000260.4 (MANE Select); the canonical splice donor site of the intron after coding-DNA position 1935, G replaced by A.
Molecular consequence: splice donor variant.
Genome position (GRCh38, 1-based): chr11:77,172,886, G>A. VCF-style: chr11-77172886-G-A. GRCh37 (hg19) VCF-style: chr11-76883932-G-A.
Other names: c.1902+1G>A (NM_001369365.1); c.1935+1G>A (NM_001127180.2, NM_000260.3).
Identifiers: ClinVar variation 1452974 (VCV001452974.7), dbSNP rs1343207038, ClinGen allele CA381938641.

ClinVar aggregate classification (germline): Pathogenic. Review status: criteria provided, multiple submitters, no conflicts (2 of 4 stars). 2 submissions from 2 submitters: Pathogenic (2). Last evaluated 2025-11-12.

Conditions:
Usher syndrome type 1B (USH1B). Also called: Usher syndrome type IB. Identifiers: MedGen C1848638, MONDO:0700087.

Submissions (2):

Natera, Inc.
Classification: Pathogenic for Usher syndrome type 1B. Last evaluated: 2025-11-12. Review status: criteria provided, single submitter. Criteria: Natera Variant Classification Schema (03/2026). Collection method: clinical testing. Allele origin: germline.
Comment: The c.1935+1G>A variant in MYO7A is a canonical splice donor site variant predicted to affect pre-mRNA splicing, which may result in an abnormal transcript and altered protein product. This variant is expected to result in nonsense mediated decay, truncation, or a dysfunctional protein product. This variant is rare in the general population with a frequency below the threshold expected for the associated phenotype(s). This variant has been observed in one or more individuals affected with the associated recessive disease, as either homozygous or compound heterozygous with a second variant (PMID: 18181211, 33576794). Given the available evidence, this variant is classified as Pathogenic.

Labcorp Genetics (formerly Invitae), Labcorp
Classification: Pathogenic. Last evaluated: 2022-03-02. Review status: criteria provided, single submitter. Criteria: Invitae Variant Classification Sherloc (09022015). Collection method: clinical testing. Allele origin: germline.
Comment: For these reasons, this variant has been classified as Pathogenic. Algorithms developed to predict the effect of sequence changes on RNA splicing suggest that this variant may disrupt the consensus splice site. Disruption of this splice site has been observed in individuals with clinical features of Usher syndrome (PMID: 18181211; Invitae). This variant is not present in population databases (gnomAD no frequency). This sequence change affects a donor splice site in intron 16 of the MYO7A gene. It is expected to disrupt RNA splicing. Variants that disrupt the donor or acceptor splice site typically lead to a loss of protein function (PMID: 16199547), and loss-of-function variants in MYO7A are known to be pathogenic (PMID: 8900236, 25404053).

Literature cited by the submitters: PubMed 18181211 (cited by Natera, Inc. and Labcorp Genetics (formerly Invitae), Labcorp); PubMed 33576794 (cited by Natera, Inc.); PubMed 16199547 (cited by Labcorp Genetics (formerly Invitae), Labcorp); PubMed 8900236 (cited by Labcorp Genetics (formerly Invitae), Labcorp); PubMed 25404053 (cited by Labcorp Genetics (formerly Invitae), Labcorp).